The following is an entry in ClinVar:

NM_015231.3(NUP160):c.4168G>C (p.Asp1390His)

Gene: NUP160 (nucleoporin 160; minus strand). Cytogenetic location: 11p11.2.
Variant type: single nucleotide variant.
Coding change: c.4168G>C on transcript NM_015231.3 (MANE Select); coding-DNA position 4168, G replaced by C.
Protein change: p.Asp1390His; replaces aspartic acid 1390 with histidine.
Molecular consequence: missense variant. On other transcripts: non-coding transcript variant (1).
Genome position (GRCh38, 1-based): chr11:47,779,146, C>G on the plus strand (G>C on the coding strand, the complement: NUP160 is on the minus strand). VCF-style: chr11-47779146-C-G. GRCh37 (hg19) VCF-style: chr11-47800698-C-G.
Other names: short protein forms D1390H.
Identifiers: ClinVar variation 2152720 (VCV002152720.4), dbSNP rs1215002128, ClinGen allele CA380390989.

ClinVar aggregate classification (germline): Uncertain significance (1 of 4 stars; one submission).

Allele frequency attached by ClinVar (database versions not stated): TOPMed below 0.00001; gnomAD 0.00002.
gnomAD v4.1: 57 of 1,613,766 alleles (0.0035%); highest among the groups gnomAD compares: East Asian, 0.13%; no homozygotes.

Submission:

Labcorp Genetics (formerly Invitae), Labcorp
Classification: Uncertain significance. Last evaluated: 2022-05-25. Review status: criteria provided, single submitter. Criteria: Invitae Variant Classification Sherloc (09022015). Collection method: clinical testing. Allele origin: germline.
Comment: In summary, the available evidence is currently insufficient to determine the role of this variant in disease. Therefore, it has been classified as a Variant of Uncertain Significance. Algorithms developed to predict the effect of missense changes on protein structure and function are either unavailable or do not agree on the potential impact of this missense change (SIFT: "Not Available"; PolyPhen-2: "Possibly Damaging"; Align-GVGD: "Not Available"). This variant has not been reported in the literature in individuals affected with NUP160-related conditions. This variant is not present in population databases (gnomAD no frequency). This sequence change replaces aspartic acid, which is acidic and polar, with histidine, which is basic and polar, at codon 1424 of the NUP160 protein (p.Asp1424His).